The following is an entry in ClinVar:

NM_000100.2(CSTB):c.-36_-24delGAGTCCCCTCGCC

Genes: CSTB (cystatin B; minus strand), LOC130066788 (ATAC-STARR-seq lymphoblastoid silent region 13368; plus strand). Cytogenetic location: 21q22.3.
Variant type: Deletion.
Coding change: c.-36_-24delGAGTCCCCTCGCC on transcript NM_000100.2; 36 bases upstream of the start codon through 24 bases upstream of the start codon, 13 bases deleted (GAGTCCCCTCGCC).
Genome position (GRCh38, 1-based): chr21:43,776,293-43,776,305, GGCGAGGGGACTC deleted on the plus strand (GAGTCCCCTCGCC on the coding strand, the reverse complement: CSTB is on the minus strand); deleting any 13 consecutive bases within chr21:43,776,293-43,776,316 gives the same sequence; the c. name uses the placement nearest the transcript's 3' end. VCF-style (leftmost placement, unchanged base first): chr21-43776292-TGGCGAGGGGACTC-T. GRCh37 (hg19) VCF-style: chr21-45196173-TGGCGAGGGGACTC-T.
Identifiers: ClinVar variation 208407 (VCV000208407.3), dbSNP rs577227536, ClinGen allele CA319662.
Genomic context (GRCh38, chr21:43,776,292, plus strand): 5'-GTGGCCGGCTGCGTGGCGGAGGGCGCCCCGCACATCATCTTGGCGGCGACGGAGGGAATC[TGGCGAGGGGACTC>T]GGCGAGGGGACGCGGCGGCTCCTCAGCCCAAGTAGGCGCTGGGGTCACGTGACGCGCGGG-3'

ClinVar aggregate classification (germline): Benign (1 of 4 stars; one submission).

Submission:

GeneDx
Classification: Benign. Last evaluated: 2014-07-23. Review status: criteria provided, single submitter. Criteria: GeneDx Variant Classification (06012015). Collection method: clinical testing. Allele origin: germline. Affected: yes.
Comment: The variant is found in CHILD-EPI,EPILEPSY panel(s).